The following is an entry in ClinVar:

NC_012920.1(MT-CYB):m.15090T>C

Gene: MT-CYB (mitochondrially encoded cytochrome b; plus strand).
Variant type: single nucleotide variant.
Genome position: chrM-15090-T-C.
Identifiers: ClinVar variation 693823 (VCV000693823.1), dbSNP rs1603225069, ClinGen allele CA913172918.

ClinVar aggregate classification (germline): Likely benign (1 of 4 stars; one submission).

Conditions:
Leigh syndrome (NULS). Also called: Leigh's necrotizing encephalopathy; Leigh's disease; Leigh's syndrome; LEIGH SYNDROME, NUCLEAR; Leigh Syndrome (mtDNA deletion); Leigh Disease. Identifiers: Orphanet 506, MedGen C2931891, MONDO:0009723, OMIM 256000.

Submission:

Wong Mito Lab, Molecular and Human Genetics, Baylor College of Medicine
Classification: Likely benign for Leigh syndrome. Last evaluated: 2019-10-17. Review status: criteria provided, single submitter. Criteria: Modified ACMG Guidelines (Unpublished). Collection method: clinical testing. Allele origin: germline.
Comment: The NC_012920.1:m.15090T>C (YP_003024038.1:p.Ile115Thr) variant in MTCYB gene is interpretated to be a Likely Benign variant based on the modified ACMG guidelines (unpublished). This variant meets the following evidence codes: BS1, BP4